The following is an entry in ClinVar:

ClinVar aggregate classification (germline): Conflicting classifications of pathogenicity. Review status: criteria provided, conflicting classifications (1 of 4 stars). 2 submissions from 1 submitter: Uncertain significance (1); Likely benign (1). Last evaluated 2018-01-13.

Conditions:
Freeman-Sheldon syndrome (DA2A). Also called: CRANIOCARPOTARSAL DYSPLASIA; CRANIOCARPOTARSAL DYSTROPHY; WHISTLING FACE-WINDMILL VANE HAND SYNDROME; Arthrogryposis, distal, type 2A (Freeman-Sheldon). Identifiers: Orphanet 2053, MedGen C0265224, MONDO:0008675, OMIM 193700.
Distal arthrogryposis type 2B1 (DA2B1). Also called: Arthrogryposis multiplex congenita distal type II with craniofacial abnormalities. Identifiers: Orphanet 1147, MedGen C5193014, MONDO:0020820, OMIM 601680.

Allele frequency attached by ClinVar (database versions not stated): gnomAD exomes 0.00001; ExAC 0.00002; gnomAD 0.00005 and 0.00006; TOPMed 0.00005; ESP Exome Variant Server 0.00008.

Submissions (2):

Illumina Laboratory Services, Illumina
Classification: Likely benign for Freeman-Sheldon syndrome. Last evaluated: 2018-01-13. Review status: criteria provided, single submitter. Criteria: ICSL Variant Classification Criteria 13 December 2019. Collection method: clinical testing. Allele origin: germline.
Comment: This variant was observed in the ICSL laboratory as part of a predisposition screen in an ostensibly healthy population. It had not been previously curated by ICSL or reported in the Human Gene Mutation Database (HGMD: prior to June 1st, 2018), and was therefore a candidate for classification through an automated scoring system. Utilizing variant allele frequency, disease prevalence and penetrance estimates, and inheritance mode, an automated score was calculated to assess if this variant is too frequent to cause the disease. Based on the score and internal cut-off values, a variant classified as likely benign is not then subjected to further curation. The score for this variant resulted in a classification of likely benign for this disease.

Illumina Laboratory Services, Illumina
Classification: Uncertain significance for Distal arthrogryposis type 2B1. Last evaluated: 2018-01-13. Review status: criteria provided, single submitter. Criteria: ICSL Variant Classification Criteria 13 December 2019. Collection method: clinical testing. Allele origin: germline.

NM_002470.4(MYH3):c.297G>A (p.Glu99=)

Gene: MYH3 (myosin heavy chain 3; minus strand). Cytogenetic location: 17p13.1.
Variant type: single nucleotide variant.
Coding change: c.297G>A on transcript NM_002470.4 (MANE Select); coding-DNA position 297, G replaced by A.
Protein change: p.Glu99=; no amino-acid change (glutamic acid 99 retained).
Molecular consequence: synonymous variant.
Genome position (GRCh38, 1-based): chr17:10,652,471, C>T on the plus strand (G>A on the coding strand, the complement: MYH3 is on the minus strand). VCF-style: chr17-10652471-C-T. GRCh37 (hg19) VCF-style: chr17-10555788-C-T.
Identifiers: ClinVar variation 891748 (VCV000891748.4), dbSNP rs375498642, ClinGen allele CA8393348.
Genomic context (GRCh38, chr17:10,652,471, plus strand): 5'-CTCGCTGACATAGATCATCCAAGATGTGTAACGGTCCTTCAGGTTGTACAGCACGGCTGG[C>T]TCATTCAGGTGCGTCAGCATGGCCATGTCTTCGATCCTGTCGAACTTGGGGGGGTTCATG-3'
Protein context (NP_002461.2, residues 89-109): EDMAMLTHLN[Glu99=]PAVLYNLKDR